The following is an entry in ClinVar:

NM_000540.3(RYR1):c.9607G>A (p.Val3203Met)

Gene: RYR1 (ryanodine receptor 1; plus strand). Cytogenetic location: 19q13.2.
Variant type: single nucleotide variant.
Coding change: c.9607G>A on transcript NM_000540.3 (MANE Select); coding-DNA position 9607, G replaced by A.
Protein change: p.Val3203Met; replaces valine 3203 with methionine.
Molecular consequence: missense variant.
Genome position (GRCh38, 1-based): chr19:38,516,139, G>A. VCF-style: chr19-38516139-G-A. GRCh37 (hg19) VCF-style: chr19-39006779-G-A.
Other names: c.9607G>A, p.Val3203Met (NM_001042723.2); short protein forms V3203M.
Identifiers: ClinVar variation 2888653 (VCV002888653.4), dbSNP rs778874327, ClinGen allele CA308128899.
Genomic context (GRCh38, chr19:38,516,139, plus strand): 5'-TCTTCCAGGCTTCGGCCAGCCCTCGGGGAGTGCCTGGCCCGTCTGGCAGCAGCCATGCCG[G>A]TGGCGTTCCTGGAGCCGCAGCTGAACGAGTACAACGCCTGCTCCGTGTACACCACCAAGT-3'
Protein context (NP_000531.2, residues 3193-3213): CLARLAAAMP[Val3203Met]AFLEPQLNEY

ClinVar aggregate classification (germline): Uncertain significance. Review status: criteria provided, multiple submitters, no conflicts (2 of 4 stars). 2 submissions from 2 submitters: Uncertain significance (2). Last evaluated 2024-02-05.

Conditions:
Malignant hyperthermia, susceptibility to, 1 (MHS1). Also called: Anesthesia related hyperthermia; Malignant hyperpyrexia; Fulminating hyperpyrexia; Pharmacogenic myopathy; RYR1-Related Malignant Hyperthermia Susceptibility; Malignant hyperthermia suceptibility 1. Identifiers: Orphanet 423, MedGen C2930980, MONDO:0007783, OMIM 145600.
RYR1-related disorder. Also called: RYR1-related disorders; RYR1-related condition. Identifiers: MedGen CN239331.

Allele frequency attached by ClinVar (database versions not stated): TOPMed 0.00001.
gnomAD v4.1: 1 of 1,552,194 alleles (0.000064%); no homozygotes.

Submissions (2):

Labcorp Genetics (formerly Invitae), Labcorp
Classification: Uncertain significance for RYR1-related disorder. Last evaluated: 2024-02-05. Review status: criteria provided, single submitter. Criteria: Invitae Variant Classification Sherloc (09022015). Collection method: clinical testing. Allele origin: germline.
Comment: This sequence change replaces valine, which is neutral and non-polar, with methionine, which is neutral and non-polar, at codon 3203 of the RYR1 protein (p.Val3203Met). This variant is not present in population databases (gnomAD no frequency). This variant has not been reported in the literature in individuals affected with RYR1-related conditions. Advanced modeling of protein sequence and biophysical properties (such as structural, functional, and spatial information, amino acid conservation, physicochemical variation, residue mobility, and thermodynamic stability) performed at Invitae indicates that this missense variant is expected to disrupt RYR1 protein function with a positive predictive value of 95%. In summary, the available evidence is currently insufficient to determine the role of this variant in disease. Therefore, it has been classified as a Variant of Uncertain Significance.

All of Us Research Program, National Institutes of Health
Classification: Uncertain significance for Malignant hyperthermia, susceptibility to, 1. Last evaluated: 2023-11-20. Review status: criteria provided, single submitter. Criteria: ACMG Guidelines, 2015. Collection method: clinical testing. Allele origin: germline. Inheritance: Autosomal dominant inheritance. Observed: 1 variant allele, 1 heterozygote.
Comment: This missense variant replaces valine with methionine at codon 3203 of the RYR1 protein. Computational prediction suggests that this variant may have deleterious impact on protein structure and function (internally defined REVEL score threshold >= 0.7, PMID: 27666373). To our knowledge, functional studies have not been reported for this variant. This variant has not been reported in individuals affected with RYR1-related disorders in the literature. This variant has not been identified in the general population by the Genome Aggregation Database (gnomAD). The available evidence is insufficient to determine the role of this variant in disease conclusively. Therefore, this variant is classified as a Variant of Uncertain Significance.

This study involves interpretation of variants in research participants for the purpose of population health screening. Participant phenotype was not available at the time of variant classification. Additional details can be found in publication PMID: 35346344, PMCID: PMC8962531